The following is an entry in ClinVar:

NM_001165963.4(SCN1A):c.312del (p.Thr105fs)

Gene: SCN1A (sodium voltage-gated channel alpha subunit 1; minus strand). Cytogenetic location: 2q24.3.
Variant type: Deletion.
Coding change: c.312del on transcript NM_001165963.4 (MANE Select); coding-DNA position 312, one base deleted (C; older notation c.312delC).
Protein change: p.Thr105fs; shifts the reading frame from threonine 105.
Molecular consequence: frameshift variant. On other transcripts: 5 prime UTR variant (1), non-coding transcript variant (1).
Genome position (GRCh38, 1-based): chr2:166,058,641, G deleted on the plus strand (C on the coding strand, the reverse complement: SCN1A is on the minus strand); the first of 2 consecutive G bases (chr2:166,058,641-166,058,642); deleting either gives the same sequence. VCF-style (leftmost placement, unchanged base first): chr2-166058640-TG-T. GRCh37 (hg19) VCF-style: chr2-166915150-TG-T.
Other names: c.312del, p.Thr105fs (NM_001165964.3, NM_001202435.3, NM_001353948.2 and 10 more transcripts); c.-2114del (NM_001353961.2); short protein forms T105fs.
Identifiers: ClinVar variation 408929 (VCV000408929.7), dbSNP rs1060502187, ClinGen allele CA16610192.
Genomic context (GRCh38, chr2:166,058,640, plus strand): 5'-AAATCTTAATAGCTATTTTCCTAAGAGGATTGAAGGGAGTTAAAATGTACAGGGCAGAGG[TG>T]GCACTGAACCGGAAGATGGCCTTCCCTTTATTCAATACTATAAAAGTCTGTAAGACAGGA-3'

ClinVar aggregate classification (germline): Pathogenic (1 of 4 stars; one submission).

Conditions:
Early-infantile DEE. Also called: Early infantile epileptic encephalopathy; Early infantile epileptic encephalopathy with suppression bursts; Ohtahara syndrome. Identifiers: Orphanet 1934, MedGen C0393706, MONDO:0800491.

Submission:

Labcorp Genetics (formerly Invitae), Labcorp
Classification: Pathogenic for Early-infantile DEE. Last evaluated: 2016-09-26. Review status: criteria provided, single submitter. Criteria: Invitae Variant Classification Sherloc (09022015). Collection method: clinical testing. Allele origin: germline.
Comment: For these reasons, this variant has been classified as Pathogenic. While this particular variant has not been reported in the literature, loss-of-function variants in SCN1A are known to be pathogenic (PMID: 17347258, 18930999). This sequence change deletes 1 nucleotide from exon 2 of the SCN1A mRNA (c.312delC), causing a frameshift at codon 105. This creates a premature translational stop signal (p.Thr105Profs*7) and is expected to result in an absent or disrupted protein product.

Literature cited by the submitters: PubMed 17347258; PubMed 18930999.